The following is an entry in ClinVar:

ClinVar aggregate classification (germline): Uncertain significance. Review status: criteria provided, multiple submitters, no conflicts (2 of 4 stars). 2 submissions from 2 submitters: Uncertain significance (2). Last evaluated 2025-04-29.

Conditions:
Hypertrophic cardiomyopathy. Also called: HYPERTROPHIC MYOCARDIOPATHY. Identifiers: Orphanet 217569, MedGen C0007194, MeSH D002312, MONDO:0005045, HP:0001639.

Allele frequency attached by ClinVar (database versions not stated): gnomAD 0.00001; ExAC 0.00002; gnomAD exomes below 0.00001; TOPMed 0.00002.
gnomAD v4.1: 9 of 1,613,646 alleles (0.00056%); highest among the groups gnomAD compares: African/African-American, 0.0013%; no homozygotes.

Submissions (2):

Labcorp Genetics (formerly Invitae), Labcorp
Classification: Uncertain significance for Hypertrophic cardiomyopathy. Last evaluated: 2025-04-29. Review status: criteria provided, single submitter. Criteria: Invitae Variant Classification Sherloc (09022015). Collection method: clinical testing. Allele origin: germline.
Comment: This sequence change replaces isoleucine, which is neutral and non-polar, with valine, which is neutral and non-polar, at codon 166 of the MYOM1 protein (p.Ile166Val). This variant is present in population databases (rs769348303, gnomAD 0.007%). This variant has not been reported in the literature in individuals affected with MYOM1-related conditions. ClinVar contains an entry for this variant (Variation ID: 1744448). An algorithm developed to predict the effect of missense changes on protein structure and function outputs the following: PolyPhen-2: "Benign". The valine amino acid residue is found in multiple mammalian species, which suggests that this missense change does not adversely affect protein function. In summary, the available evidence is currently insufficient to determine the role of this variant in disease. Therefore, it has been classified as a Variant of Uncertain Significance.

Ambry Genetics
Classification: Uncertain significance. Last evaluated: 2024-06-07. Review status: criteria provided, single submitter. Criteria: Ambry Variant Classification Scheme 2023. Collection method: clinical testing. Allele origin: germline.
Comment: The p.I166V variant (also known as c.496A>G), located in coding exon 3 of the MYOM1 gene, results from an A to G substitution at nucleotide position 496. The isoleucine at codon 166 is replaced by valine, an amino acid with highly similar properties. This amino acid position is conserved. In addition, this alteration is predicted to be tolerated by in silico analysis. Since supporting evidence is limited at this time, the clinical significance of this alteration remains unclear.

NM_003803.4(MYOM1):c.496A>G (p.Ile166Val)

Gene: MYOM1 (myomesin 1; minus strand). Cytogenetic location: 18p11.31.
Variant type: single nucleotide variant.
Coding change: c.496A>G on transcript NM_003803.4 (MANE Select); coding-DNA position 496, A replaced by G.
Protein change: p.Ile166Val; replaces isoleucine 166 with valine.
Molecular consequence: missense variant.
Genome position (GRCh38, 1-based): chr18:3,189,023, T>C on the plus strand (A>G on the coding strand, the complement: MYOM1 is on the minus strand). VCF-style: chr18-3189023-T-C. GRCh37 (hg19) VCF-style: chr18-3189021-T-C.
Other names: c.496A>G, p.Ile166Val (NM_019856.2); short protein forms I166V.
Identifiers: ClinVar variation 1744448 (VCV001744448.5), dbSNP rs769348303, ClinGen allele CA8875232.